The following is an entry in ClinVar:

NM_003128.3(SPTBN1):c.764-4A>G

Gene: SPTBN1 (spectrin beta, non-erythrocytic 1; plus strand). Cytogenetic location: 2p16.2.
Variant type: single nucleotide variant.
Coding change: c.764-4A>G on transcript NM_003128.3 (MANE Select); 4 bases into the intron before coding-DNA position 764, A replaced by G.
Molecular consequence: intron variant.
Genome position (GRCh38, 1-based): chr2:54,621,396, A>G. VCF-style: chr2-54621396-A-G. GRCh37 (hg19) VCF-style: chr2-54848533-A-G.
Other names: c.725-4A>G (NM_178313.3).
Identifiers: ClinVar variation 717147 (VCV000717147.19), dbSNP rs141959769, ClinGen allele CA1660225.
Genomic context (GRCh38, chr2:54,621,396, plus strand): 5'-CCTGCTACCTGGGTGGGGCACAGTAGCATGCAACACACTGAACAGAGTCTTCTCTGGGTT[A>G]CAGACATCAGCGTGGACCATCCTGATGAGAAGTCCATAATCACTTATGTGGTGACTTATT-3'

ClinVar aggregate classification (germline): Benign/Likely benign. Review status: criteria provided, multiple submitters, no conflicts (2 of 4 stars). 5 submissions from 5 submitters: Benign (2); Likely benign (2). 1 of the submissions does not count toward it. Last evaluated 2026-07-01.

Conditions:
SPTBN1-related disorder. Also called: SPTBN1-related condition.

Allele frequency attached by ClinVar (database versions not stated): 1000 Genomes Project 0.00040; 1000 Genomes Project 30x 0.00062; ExAC 0.00127; gnomAD exomes 0.00135 and 0.00171; gnomAD 0.00145 and 0.00148; TOPMed 0.00145; ESP Exome Variant Server 0.00254.
gnomAD v4.1: 2,683 of 1,610,886 alleles (0.17%); highest among the groups gnomAD compares: Non-Finnish European, 0.2%; 6 homozygotes.

Submissions (5):

CeGaT Center for Human Genetics Tuebingen
Classification: Likely benign. Last evaluated: 2026-07-01. Review status: criteria provided, single submitter. Criteria: CeGaT Center For Human Genetics Tuebingen Variant Classification Criteria Version 2. Collection method: clinical testing. Allele origin: germline. Affected: yes. Observed: 4 variant alleles.
Comment: SPTBN1: BP4, BS1

Blueprint Genetics
Classification: Likely benign. Last evaluated: 2024-11-25. Review status: criteria provided, single submitter. Criteria: ACMG Guidelines, 2015. Collection method: clinical testing. Allele origin: germline.

Labcorp Genetics (formerly Invitae), Labcorp
Classification: Benign. Last evaluated: 2018-08-16. Review status: criteria provided, single submitter. Criteria: Invitae Variant Classification Sherloc (09022015). Collection method: clinical testing. Allele origin: germline.

Breakthrough Genomics
Classification: Benign. Review status: criteria provided, single submitter. Criteria: ACMG Guidelines, 2015. Collection method: not provided. Allele origin: germline. Inheritance: Autosomal dominant inheritance. Affected: yes.

PreventionGenetics, part of Exact Sciences
Classification: Likely benign for SPTBN1-related condition. Last evaluated: 2024-05-24. Review status: no assertion criteria provided. Collection method: clinical testing. Allele origin: germline. Not counted in ClinVar's aggregate classification.
Comment: This variant is classified as likely benign based on ACMG/AMP sequence variant interpretation guidelines (Richards et al. 2015 PMID: 25741868, with internal and published modifications).